The following is an entry in ClinVar:

ClinVar aggregate classification (germline): Uncertain significance. Review status: criteria provided, multiple submitters, no conflicts (2 of 4 stars). 5 submissions from 5 submitters: Uncertain significance (5). Last evaluated 2023-10-10.

Conditions:
Hereditary cancer-predisposing syndrome. Also called: Hereditary neoplastic syndrome; Neoplastic Syndromes, Hereditary; Tumor predisposition; Hereditary Cancer Syndrome. Identifiers: Orphanet 140162, MedGen C0027672, MeSH D009386, MONDO:0015356.
Fanconi anemia complementation group J. Also called: BRIP1-Related Fanconi Anemia. Identifiers: Orphanet 84, MedGen C1836860, MONDO:0012187, OMIM 609054.
Familial cancer of breast. Also called: BREAST CANCER, FAMILIAL; Hereditary breast cancer; hereditary breast carcinoma. Identifiers: Orphanet 227535, MedGen C0346153, MONDO:0016419, OMIM 114480. Disease mechanism: loss of function.

Submissions (5):

Ambry Genetics
Classification: Uncertain significance for Hereditary cancer-predisposing syndrome. Last evaluated: 2023-10-10. Review status: criteria provided, single submitter. Criteria: Ambry Variant Classification Scheme 2023. Collection method: clinical testing. Allele origin: germline.
Comment: The p.R160I variant (also known as c.479G>T), located in coding exon 4 of the BRIP1 gene, results from a G to T substitution at nucleotide position 479. The arginine at codon 160 is replaced by isoleucine, an amino acid with similar properties. This amino acid position is highly conserved in available vertebrate species. In addition, this alteration is predicted to be deleterious by in silico analysis. Since supporting evidence is limited at this time, the clinical significance of this alteration remains unclear.

Color Diagnostics, LLC DBA Color Health
Classification: Uncertain significance for Hereditary cancer-predisposing syndrome. Last evaluated: 2023-08-08. Review status: criteria provided, single submitter. Criteria: ACMG Guidelines, 2015. Collection method: clinical testing. Allele origin: germline.
Comment: This missense variant replaces arginine with isoleucine at codon 160 of the BRIP1 protein. Computational prediction suggests that this variant may not impact protein structure and function (internally defined REVEL score threshold <= 0.5, PMID: 27666373). To our knowledge, functional studies have not been reported for this variant. This variant has not been reported in individuals affected with BRIP1-related disorders in the literature. This variant has not been identified in the general population by the Genome Aggregation Database (gnomAD). The available evidence is insufficient to determine the role of this variant in disease conclusively. Therefore, this variant is classified as a Variant of Uncertain Significance.

Sema4
Classification: Uncertain significance for Hereditary cancer-predisposing syndrome. Last evaluated: 2021-12-18. Review status: criteria provided, single submitter. Criteria: Sema4 Curation Guidelines. Collection method: curation. Allele origin: germline.
Comment: The BRIP1 c.479G>T (p.R160I) variant has not been reported in the literature to our knowledge. It was not observed in the large and broad cohorts of the Genome Aggregation Database (PMID: 32461654), but has been reported in ClinVar (Variation ID 483185). Functional studies have not been performed, and in silico predictions of the variant's effect on protein function are inconclusive. The evidence is insufficient to meet ACMG/AMP criteria for classifying the variant as benign or pathogenic. Thus, the clinical significance of this variant is currently uncertain.

Labcorp Genetics (formerly Invitae), Labcorp
Classification: Uncertain significance for Familial cancer of breast; Fanconi anemia complementation group J. Last evaluated: 2021-10-31. Review status: criteria provided, single submitter. Criteria: Invitae Variant Classification Sherloc (09022015). Collection method: clinical testing. Allele origin: germline.
Comment: In summary, the available evidence is currently insufficient to determine the role of this variant in disease. Therefore, it has been classified as a Variant of Uncertain Significance. Algorithms developed to predict the effect of missense changes on protein structure and function are either unavailable or do not agree on the potential impact of this missense change (SIFT: "Deleterious"; PolyPhen-2: "Probably Damaging"; Align-GVGD: "Class C0"). ClinVar contains an entry for this variant (Variation ID: 483185). This variant has not been reported in the literature in individuals affected with BRIP1-related conditions. This variant is not present in population databases (gnomAD no frequency). This sequence change replaces arginine, which is basic and polar, with isoleucine, which is neutral and non-polar, at codon 160 of the BRIP1 protein (p.Arg160Ile).

PreventionGenetics, part of Exact Sciences
Classification: Uncertain significance. Last evaluated: 2017-01-23. Review status: criteria provided, single submitter. Criteria: ACMG Guidelines, 2015. Collection method: clinical testing. Allele origin: germline.

NM_032043.3(BRIP1):c.479G>T (p.Arg160Ile)

Gene: BRIP1 (BRCA1 interacting DNA helicase 1; minus strand). Cytogenetic location: 17q23.2.
Variant type: single nucleotide variant.
Coding change: c.479G>T on transcript NM_032043.3 (MANE Select); coding-DNA position 479, G replaced by T.
Protein change: p.Arg160Ile; replaces arginine 160 with isoleucine.
Molecular consequence: missense variant.
Genome position (GRCh38, 1-based): chr17:61,849,157, C>A on the plus strand (G>T on the coding strand, the complement: BRIP1 is on the minus strand). VCF-style: chr17-61849157-C-A. GRCh37 (hg19) VCF-style: chr17-59926518-C-A.
Other names: short protein forms R160I.
Identifiers: ClinVar variation 483185 (VCV000483185.14), dbSNP rs1330277587, ClinGen allele CA400484398.